The following is an entry in ClinVar:

NM_020163.3(SEMA3G):c.1284C>T (p.Val428=)

Gene: SEMA3G (semaphorin 3G; minus strand). Cytogenetic location: 3p21.1.
Variant type: single nucleotide variant.
Coding change: c.1284C>T on transcript NM_020163.3 (MANE Select); coding-DNA position 1284, C replaced by T.
Protein change: p.Val428=; no amino-acid change (valine 428 retained).
Molecular consequence: synonymous variant.
Genome position (GRCh38, 1-based): chr3:52,439,958, G>A on the plus strand (C>T on the coding strand, the complement: SEMA3G is on the minus strand). VCF-style: chr3-52439958-G-A. GRCh37 (hg19) VCF-style: chr3-52473974-G-A.
Identifiers: ClinVar variation 3353658 (VCV003353658.1).

ClinVar aggregate classification (germline): Likely benign (0 of 4 stars; one submission).

Conditions:
SEMA3G-related disorder. Also called: SEMA3G-related condition.

Submission:

PreventionGenetics, part of Exact Sciences
Classification: Likely benign for SEMA3G-related condition. Last evaluated: 2022-10-19. Review status: no assertion criteria provided. Collection method: clinical testing. Allele origin: germline.
Comment: This variant is classified as likely benign based on ACMG/AMP sequence variant interpretation guidelines (Richards et al. 2015 PMID: 25741868, with internal and published modifications).